The following is an entry in ClinVar:

ClinVar aggregate classification (germline): Likely pathogenic (1 of 4 stars; one submission).

Submission:

GeneDx
Classification: Likely pathogenic. Last evaluated: 2023-08-03. Review status: criteria provided, single submitter. Criteria: GeneDx Variant Classification Process June 2021. Collection method: clinical testing. Allele origin: germline. Affected: yes.
Comment: Not observed in large population cohorts (gnomAD); In silico analysis, which includes protein predictors and evolutionary conservation, supports a deleterious effect; Has not been previously published as pathogenic or benign to our knowledge

NM_024854.5(PYROXD1):c.740G>A (p.Gly247Glu)

Gene: PYROXD1 (pyridine nucleotide-disulphide oxidoreductase domain 1; plus strand). Cytogenetic location: 12p12.1.
Variant type: single nucleotide variant.
Coding change: c.740G>A on transcript NM_024854.5 (MANE Select); coding-DNA position 740, G replaced by A.
Protein change: p.Gly247Glu; replaces glycine 247 with glutamic acid.
Molecular consequence: missense variant. On other transcripts: 5 prime UTR variant (1).
Genome position (GRCh38, 1-based): chr12:21,456,085, G>A. VCF-style: chr12-21456085-G-A. GRCh37 (hg19) VCF-style: chr12-21609019-G-A.
Other names: c.527G>A, p.Gly176Glu (NM_001350912.2); c.-38G>A (NM_001350913.2); short protein forms G176E, G247E.
Identifiers: ClinVar variation 2574704 (VCV002574704.1), dbSNP rs2540258330, ClinGen allele CA384108404.
Genomic context (GRCh38, chr12:21,456,085, plus strand): 5'-AAGCAGATAATGTAGGAAGTGCATTGGGACCAGATTGGCATGAAGGCTTGAATCTTAAAG[G>A]AACAAAAGAGGTATCTTTTCATATACTAATTGGTCATGTCTAAATGTAATTTTAAATTCT-3'
Protein context (NP_079130.2, residues 237-257): PDWHEGLNLK[Gly247Glu]TKEFSHKIHL